The following is an entry in ClinVar:

ClinVar aggregate classification (germline): Pathogenic/Likely pathogenic. Review status: criteria provided, multiple submitters, no conflicts (2 of 4 stars). 6 submissions from 6 submitters: Pathogenic (3); Likely pathogenic (3). Last evaluated 2025-12-28.

Conditions:
MMACHC-related disorder. Also called: MMACHC-related condition.
Cobalamin C disease. Also called: methylmalonic aciduria and homocystinuria type cblC; Methylmalonic aciduria with homocystinuria cblC type; Cobalamin-C methylmalonic acidemia and homocystinuria; Methylmalonic acidemia and homocystinuria cblC type; Methylmalonic aciduria and homocystinuria, Vitamin B12-responsive; Vitamin B12 metabolic defect with combined deficiency of methylmalonyl-CoA mutase and homocysteine:methyltetrahydrofolate methyltransferase. Identifiers: Orphanet 26, Orphanet 79282, MedGen C1848561, MONDO:0010184, OMIM 277400.

Allele frequency attached by ClinVar (database versions not stated): gnomAD 0.00001; gnomAD exomes 0.00001 and 0.00002; ExAC 0.00002; TOPMed 0.00003; ESP Exome Variant Server 0.00008.
gnomAD v4.1: 13 of 1,614,010 alleles (0.00081%); highest among the groups gnomAD compares: East Asian, 0.0045%; no homozygotes.

Submissions (6):

Labcorp Genetics (formerly Invitae), Labcorp
Classification: Pathogenic for Cobalamin C disease. Last evaluated: 2025-12-28. Review status: criteria provided, single submitter. Criteria: Invitae Variant Classification Sherloc (09022015). Collection method: clinical testing. Allele origin: germline.
Comment: This sequence change replaces tyrosine, which is neutral and polar, with histidine, which is basic and polar, at codon 130 of the MMACHC protein (p.Tyr130His). This variant is present in population databases (rs372670428, gnomAD 0.006%). This missense change has been observed in individual(s) with cobalamin C deficiency (PMID: 16311595, 18164228, 28835862, 31470807). ClinVar contains an entry for this variant (Variation ID: 813350). Invitae Evidence Modeling of protein sequence and biophysical properties (such as structural, functional, and spatial information, amino acid conservation, physicochemical variation, residue mobility, and thermodynamic stability) has been performed for this missense variant. However, the output from this modeling did not meet the statistical confidence thresholds required to predict the impact of this variant on MMACHC protein function. This variant disrupts the p.Tyr130 amino acid residue in MMACHC. Other variant(s) that disrupt this residue have been determined to be pathogenic (PMID: 19370762, 24210589). This suggests that this residue is clinically significant, and that variants that disrupt this residue are likely to be disease-causing. For these reasons, this variant has been classified as Pathogenic.

Natera, Inc.
Classification: Likely pathogenic for Methylmalonic aciduria and homocystinuria cblC type. Last evaluated: 2025-08-21. Review status: criteria provided, single submitter. Criteria: Natera Variant Classification Schema (03/2026). Collection method: clinical testing. Allele origin: germline.
Comment: The c.388T>C variant in MMACHC is a missense variant predicted to cause substitution of tyrosine to histidine at amino acid 130. This variant is rare in the general population with a frequency below the threshold expected for the associated phenotype(s). This variant has been observed in one or more individuals affected with the associated recessive disease, as either homozygous or compound heterozygous with a second variant (PMID: 18164228, 28835862, 31470807, 39916850). A different variant at the same position has been determined to be Pathogenic or Likely Pathogenic. Computational prediction algorithms indicate this variant is likely to affect gene or protein function. Given the available evidence, this variant is classified as Likely Pathogenic.

Genome-Nilou Lab
Classification: Likely pathogenic for Cobalamin C disease. Last evaluated: 2023-04-11. Review status: criteria provided, single submitter. Criteria: ACMG Guidelines, 2015. Collection method: clinical testing. Allele origin: germline. Affected: no.

Women's Health and Genetics/Laboratory Corporation of America, LabCorp
Classification: Pathogenic for Cobalamin C disease. Last evaluated: 2022-05-25. Review status: criteria provided, single submitter. Criteria: LabCorp Variant Classification Summary - May 2015. Collection method: clinical testing. Allele origin: germline.
Comment: Variant summary: MMACHC c.388T>C (p.Tyr130His) results in a conservative amino acid change in the encoded protein sequence. Four of five in-silico tools predict a damaging effect of the variant on protein function. The variant allele was found at a frequency of 1.6e-05 in 249424 control chromosomes (gnomAD). c.388T>C has been reported in the literature in compound heterozygosity with known pathogenic MMACHE variants in individuals affected with Methylmalonic Acidemia With Homocystinuria (Lerner-Ellis_2006, Nogueira_2008, Ardissino_2017, Grandone_2019). These data indicate that the variant is likely to be associated with disease. To our knowledge, no experimental evidence demonstrating an impact on protein function has been reported. One ClinVar submitter has assessed the variant since 2014: the variant was classified as pathogenic. Based on the evidence outlined above, the variant was classified as pathogenic.

Fulgent Genetics
Classification: Likely pathogenic for Cobalamin C disease. Last evaluated: 2022-01-25. Review status: criteria provided, single submitter. Criteria: ACMG Guidelines, 2015. Collection method: clinical testing. Allele origin: unknown.

Blueprint Genetics
Classification: Pathogenic for MMACHC-related disorders. Last evaluated: 2021-08-24. Review status: criteria provided, single submitter. Criteria: ACMG Guidelines, 2015. Collection method: clinical testing. Allele origin: germline. Affected: yes. Observed: 1 variant allele.

Literature cited by the submitters: PubMed 16311595 (cited by Labcorp Genetics (formerly Invitae), Labcorp and Women's Health and Genetics/Laboratory Corporation of America, LabCorp); PubMed 18164228 (cited by 3 submitters); PubMed 28835862 (cited by 3 submitters); PubMed 31470807 (cited by 3 submitters); PubMed 19370762 (cited by Labcorp Genetics (formerly Invitae), Labcorp); PubMed 24210589 (cited by Labcorp Genetics (formerly Invitae), Labcorp); PubMed 39916850 (cited by Natera, Inc.).

NM_015506.3(MMACHC):c.388T>C (p.Tyr130His)

Gene: MMACHC (metabolism of cobalamin associated C; plus strand). Cytogenetic location: 1p34.1.
Variant type: single nucleotide variant.
Coding change: c.388T>C on transcript NM_015506.3 (MANE Select); coding-DNA position 388, T replaced by C.
Protein change: p.Tyr130His; replaces tyrosine 130 with histidine.
Molecular consequence: missense variant.
Genome position (GRCh38, 1-based): chr1:45,508,323, T>C. VCF-style: chr1-45508323-T-C. GRCh37 (hg19) VCF-style: chr1-45973995-T-C.
Other names: c.217T>C, p.Tyr73His (NM_001330540.2); short protein forms Y73H, Y130H.
Identifiers: ClinVar variation 813350 (VCV000813350.16), dbSNP rs372670428, ClinGen allele CA827720.